The following is an entry in ClinVar:

ClinVar aggregate classification (germline): Uncertain significance. Review status: criteria provided, multiple submitters, no conflicts (2 of 4 stars). 2 submissions from 2 submitters: Uncertain significance (2). Last evaluated 2025-12-24.

Conditions:
FUS-related disorder. Also called: FUS-related condition.
Amyotrophic lateral sclerosis type 6. Also called: FUS-Related Amyotrophic Laterial Sclerosis; AMYOTROPHIC LATERAL SCLEROSIS 6 WITHOUT FRONTOTEMPORAL DEMENTIA; Amyotrophic lateral sclerosis 6, with or without frontotemporal dementia. Identifiers: Orphanet 275872, Orphanet 803, MedGen C2931786, MONDO:0011951, OMIM 608030.
Tremor, hereditary essential, 4 (ETM4). Identifiers: MedGen C3539195, MONDO:0013888, OMIM 614782.

gnomAD v4.1: 14 of 1,613,830 alleles (0.00087%); highest among the groups gnomAD compares: Admixed American, 0.0083%; no homozygotes.

Submissions (2):

Labcorp Genetics (formerly Invitae), Labcorp
Classification: Uncertain significance for Tremor, hereditary essential, 4; Amyotrophic lateral sclerosis type 6. Last evaluated: 2025-12-24. Review status: criteria provided, single submitter. Criteria: Invitae Variant Classification Sherloc (09022015). Collection method: clinical testing. Allele origin: germline.
Comment: This sequence change replaces glycine, which is neutral and non-polar, with serine, which is neutral and polar, at codon 483 of the FUS protein (p.Gly483Ser). This variant is present in population databases (no rsID available, gnomAD 0.003%). This missense change has been observed in individual(s) with amyotrophic lateral sclerosis (internal data). ClinVar contains an entry for this variant (Variation ID: 3761656). An algorithm developed to predict the effect of missense changes on protein structure and function (PolyPhen-2) suggests that this variant is likely to be disruptive. In summary, the available evidence is currently insufficient to determine the role of this variant in disease. Therefore, it has been classified as a Variant of Uncertain Significance.

PreventionGenetics, part of Exact Sciences
Classification: Uncertain significance for FUS-related condition. Last evaluated: 2025-04-09. Review status: criteria provided, single submitter. Criteria: ACMG Guidelines, 2015. Collection method: clinical testing. Allele origin: germline.
Comment: The FUS c.1447G>A variant is predicted to result in the amino acid substitution p.Gly483Ser. To our knowledge, this variant has not been reported in the literature. This variant is reported in 0.0033% of alleles in individuals of South Asian descent in gnomAD. This variant is located within the conserved C-terminal region of FUS, where missense change is not expected to be tolerated and is considered a hot spot for ALS-causing variants (Lattante et al. 2013. PubMed ID: 23559573). Although we suspect this variant may be pathogenic, at this time, the clinical significance of this variant is uncertain due to the absence of conclusive functional and genetic evidence.

NM_004960.4(FUS):c.1447G>A (p.Gly483Ser)

Gene: FUS (FUS RNA binding protein; plus strand). Cytogenetic location: 16p11.2.
Variant type: single nucleotide variant.
Coding change: c.1447G>A on transcript NM_004960.4 (MANE Select); coding-DNA position 1447, G replaced by A.
Protein change: p.Gly483Ser; replaces glycine 483 with serine.
Molecular consequence: missense variant. On other transcripts: non-coding transcript variant (1).
Genome position (GRCh38, 1-based): chr16:31,191,016, G>A. VCF-style: chr16-31191016-G-A. GRCh37 (hg19) VCF-style: chr16-31202337-G-A.
Other names: c.1444G>A, p.Gly482Ser (NM_001170634.1); c.1435G>A, p.Gly479Ser (NM_001170937.1); short protein forms G479S, G482S, G483S.
Identifiers: ClinVar variation 3761656 (VCV003761656.3).